The following is an entry in ClinVar:

NM_001382430.1(AKT1):c.693C>G (p.Asn231Lys)

Gene: AKT1 (AKT serine/threonine kinase 1; minus strand). Cytogenetic location: 14q32.33.
Variant type: single nucleotide variant.
Coding change: c.693C>G on transcript NM_001382430.1 (MANE Select); coding-DNA position 693, C replaced by G.
Protein change: p.Asn231Lys; replaces asparagine 231 with lysine.
Molecular consequence: missense variant.
Genome position (GRCh38, 1-based): chr14:104,773,921, G>C on the plus strand (C>G on the coding strand, the complement: AKT1 is on the minus strand). VCF-style: chr14-104773921-G-C. GRCh37 (hg19) VCF-style: chr14-105240258-G-C.
Other names: c.693C>G, p.Asn231Lys (NM_001014431.2, NM_001014432.2, NM_001382431.1 and 3 more transcripts); short protein forms N231K.
Identifiers: ClinVar variation 1756235 (VCV001756235.3), dbSNP rs767346459, ClinGen allele CA391218728.

ClinVar aggregate classification (germline): Uncertain significance (1 of 4 stars; one submission).

Conditions:
Inborn genetic diseases. Identifiers: MedGen C0950123, MeSH D030342.

gnomAD v4.1: 1 of 1,610,882 alleles (0.000062%); highest among the groups gnomAD compares: East Asian, 0.0022%; no homozygotes.

Submission:

Ambry Genetics
Classification: Uncertain significance for Inborn genetic diseases. Last evaluated: 2023-08-31. Review status: criteria provided, single submitter. Criteria: Ambry Variant Classification Scheme 2023. Collection method: clinical testing. Allele origin: germline.
Comment: The p.N231K variant (also known as c.693C>G), located in coding exon 7 of the AKT1 gene, results from a C to G substitution at nucleotide position 693. The asparagine at codon 231 is replaced by lysine, an amino acid with similar properties. This amino acid position is conserved. In addition, this alteration is predicted to be tolerated by in silico analysis. Since supporting evidence is limited at this time, the clinical significance of this alteration remains unclear.